The following is an entry in ClinVar:

NM_021008.4(DEAF1):c.1363T>C (p.Tyr455His)

Genes: DEAF1 (DEAF1 transcription factor; minus strand), LOC126861109 (BRD4-independent group 4 enhancer GRCh37_chr11:673917-675116; plus strand). Cytogenetic location: 11p15.5.
Variant type: single nucleotide variant.
Coding change: c.1363T>C on transcript NM_021008.4 (MANE Select); coding-DNA position 1363, T replaced by C.
Protein change: p.Tyr455His; replaces tyrosine 455 with histidine.
Molecular consequence: missense variant.
Genome position (GRCh38, 1-based): chr11:674,676, A>G on the plus strand (T>C on the coding strand, the complement: DEAF1 is on the minus strand). VCF-style: chr11-674676-A-G. GRCh37 (hg19) VCF-style: chr11-674676-A-G.
Other names: c.1096T>C, p.Tyr366His (NM_001293634.2); c.637T>C, p.Tyr213His (NM_001367390.1); short protein forms Y213H, Y366H, Y455H.
Identifiers: ClinVar variation 1313286 (VCV001313286.2), dbSNP rs2133365266, ClinGen allele CA378924184.
Genomic context (GRCh38, chr11:674,676, plus strand): 5'-CAAACAGCGTCTTCAGCTGCTGCGCTGTGTTGAGCAAGGAGTTGACCATCTCTTCTAGGT[A>G]CAGCCAGCTCCGCGGCTCTGACAGCTCCAGCCCATTGACCAACGCGGGAGGTGCCGCTTT-3'
Protein context (NP_066288.2, residues 445-465): LELSEPRSWL[Tyr455His]LEEMVNSLLN

ClinVar aggregate classification (germline): Uncertain significance (1 of 4 stars; one submission).

Submission:

GeneDx
Classification: Uncertain significance. Last evaluated: 2020-10-12. Review status: criteria provided, single submitter. Criteria: GeneDx Variant Classification Process June 2021. Collection method: clinical testing. Allele origin: germline. Affected: yes.
Comment: Not observed in large population cohorts (Lek et al., 2016); In silico analysis supports that this missense variant does not alter protein structure/function; Has not been previously published as pathogenic or benign to our knowledge